The following is an entry in ClinVar:

ClinVar aggregate classification (germline): Likely benign. Review status: criteria provided, multiple submitters, no conflicts (2 of 4 stars). 2 submissions from 2 submitters: Likely benign (2). Last evaluated 2022-08-01.

Allele frequency attached by ClinVar (database versions not stated): gnomAD exomes below 0.00001.
gnomAD v4.1: 2 of 1,614,196 alleles (0.00012%); highest among the groups gnomAD compares: Non-Finnish European, 0.000085%; no homozygotes.

Submissions (2):

CeGaT Center for Human Genetics Tuebingen
Classification: Likely benign. Last evaluated: 2022-08-01. Review status: criteria provided, single submitter. Criteria: CeGaT Center For Human Genetics Tuebingen Variant Classification Criteria Version 2. Collection method: clinical testing. Allele origin: germline. Affected: yes. Observed: 1 variant allele.
Comment: ENSG00000285827: PM2:Supporting, BP4, BP7; KMT2A: PM2:Supporting, BP4, BP7

Labcorp Genetics (formerly Invitae), Labcorp
Classification: Likely benign. Last evaluated: 2021-03-20. Review status: criteria provided, single submitter. Criteria: Invitae Variant Classification Sherloc (09022015). Collection method: clinical testing. Allele origin: germline.

NM_001197104.2(KMT2A):c.3843T>C (p.Pro1281=)

Gene: KMT2A (lysine methyltransferase 2A; plus strand). Cytogenetic location: 11q23.3.
Variant type: single nucleotide variant.
Coding change: c.3843T>C on transcript NM_001197104.2 (MANE Select); coding-DNA position 3843, T replaced by C.
Protein change: p.Pro1281=; no amino-acid change (proline 1281 retained).
Molecular consequence: synonymous variant.
Genome position (GRCh38, 1-based): chr11:118,481,923, T>C. VCF-style: chr11-118481923-T-C. GRCh37 (hg19) VCF-style: chr11-118352638-T-C.
Other names: c.3843T>C, p.Pro1281= (NM_005933.4).
Identifiers: ClinVar variation 1640546 (VCV001640546.36), dbSNP rs2134300585, ClinGen allele CA477359031.